The following is an entry in ClinVar:

NM_002246.3(KCNK3):c.275C>T (p.Thr92Ile)

Gene: KCNK3 (potassium two pore domain channel subfamily K member 3; plus strand). Cytogenetic location: 2p23.3.
Variant type: single nucleotide variant.
Coding change: c.275C>T on transcript NM_002246.3 (MANE Select); coding-DNA position 275, C replaced by T.
Protein change: p.Thr92Ile; replaces threonine 92 with isoleucine.
Molecular consequence: missense variant.
Genome position (GRCh38, 1-based): chr2:26,693,150, C>T. VCF-style: chr2-26693150-C-T. GRCh37 (hg19) VCF-style: chr2-26916018-C-T.
Other names: short protein forms T92I.
Identifiers: ClinVar variation 811790 (VCV000811790.8), dbSNP rs1572598853, ClinGen allele CA346261403.
Genomic context (GRCh38, chr2:26,693,150, plus strand): 5'-ACAAGGCCGGCGTGCAGTGGCGCTTCGCCGGCTCCTTCTACTTCGCCATCACCGTCATCA[C>T]CACCATCGGTAACGGCTCGCCGGGCGGGGGGCGGGAACCCAGGGCTGGGCGCGGGGCTCC-3'
Protein context (NP_002237.1, residues 82-102): GSFYFAITVI[Thr92Ile]TIGYGHAAPS

ClinVar aggregate classification (germline): Uncertain significance (1 of 4 stars; one submission).

Conditions:
Pulmonary hypertension, primary, 4. Identifiers: Orphanet 422, MedGen C3809198, MONDO:0014136, OMIM 615344.

Submission:

ARUP Laboratories, Molecular Genetics and Genomics, ARUP Laboratories
Classification: Uncertain significance for Pulmonary hypertension, primary, 4. Last evaluated: 2018-10-23. Review status: criteria provided, single submitter. Criteria: ARUP Molecular Germline Variant Investigation Process. Collection method: clinical testing. Allele origin: germline.
Comment: The KCNK3 c.275C>T; p.Thr92Ile variant, to our knowledge, is not reported in the medical literature or gene specific databases. This variant is also absent from general population databases (1000 Genomes Project, Exome Variant Server, and Genome Aggregation Database), indicating it is not a common polymorphism. The threonine at codon 92 is moderately conserved, and computational analyses (SIFT, PolyPhen-2) predict that this variant is deleterious. Due to limited information, the clinical significance of the p.Thr92Ile variant is uncertain at this time.